The following is an entry in ClinVar:

NM_006662.3(SRCAP):c.2798C>T (p.Thr933Met)

Gene: SRCAP (Snf2 related CREBBP activator protein; plus strand). Cytogenetic location: 16p11.2.
Variant type: single nucleotide variant.
Coding change: c.2798C>T on transcript NM_006662.3 (MANE Select); coding-DNA position 2798, C replaced by T.
Protein change: p.Thr933Met; replaces threonine 933 with methionine.
Molecular consequence: missense variant.
Genome position (GRCh38, 1-based): chr16:30,716,460, C>T. VCF-style: chr16-30716460-C-T. GRCh37 (hg19) VCF-style: chr16-30727781-C-T.
Other names: c.2798C>T (NM_006662.2); short protein forms T933M.
Identifiers: ClinVar variation 2061035 (VCV002061035.3), dbSNP rs374240969, ClinGen allele CA8011306.

ClinVar aggregate classification (germline): Uncertain significance. Review status: criteria provided, multiple submitters, no conflicts (2 of 4 stars). 2 submissions from 2 submitters: Uncertain significance (2). Last evaluated 2026-02-01.

Conditions:
Inborn genetic diseases. Identifiers: MedGen C0950123, MeSH D030342.

Allele frequency attached by ClinVar (database versions not stated): ExAC 0.00001; gnomAD 0.00001; gnomAD exomes 0.00002; ESP Exome Variant Server 0.00008; TOPMed 0.00011.
gnomAD v4.1: 21 of 1,613,322 alleles (0.0013%); highest among the groups gnomAD compares: Middle Eastern, 0.033%; no homozygotes.

Submissions (2):

Labcorp Genetics (formerly Invitae), Labcorp
Classification: Uncertain significance. Last evaluated: 2026-02-01. Review status: criteria provided, single submitter. Criteria: Invitae Variant Classification Sherloc (09022015). Collection method: clinical testing. Allele origin: germline.
Comment: This sequence change replaces threonine, which is neutral and polar, with methionine, which is neutral and non-polar, at codon 933 of the SRCAP protein (p.Thr933Met). This variant is present in population databases (rs374240969, gnomAD 0.003%). This variant has not been reported in the literature in individuals affected with SRCAP-related conditions. ClinVar contains an entry for this variant (Variation ID: 2061035). Invitae Evidence Modeling of protein sequence and biophysical properties (such as structural, functional, and spatial information, amino acid conservation, physicochemical variation, residue mobility, and thermodynamic stability) indicates that this missense variant is not expected to disrupt SRCAP protein function with a negative predictive value of 80%. In summary, the available evidence is currently insufficient to determine the role of this variant in disease. Therefore, it has been classified as a Variant of Uncertain Significance.

Ambry Genetics
Classification: Uncertain significance for Inborn genetic diseases. Last evaluated: 2024-12-09. Review status: criteria provided, single submitter. Criteria: Ambry Variant Classification Scheme 2023. Collection method: clinical testing. Allele origin: germline.